The following is an entry in ClinVar:

ClinVar aggregate classification (germline): Uncertain significance (1 of 4 stars; one submission).

gnomAD v4.1: 1 of 1,585,240 alleles (0.000063%); highest among the groups gnomAD compares: Non-Finnish European, 0.000085%; no homozygotes.

Submission:

Labcorp Genetics (formerly Invitae), Labcorp
Classification: Uncertain significance. Last evaluated: 2024-05-06. Review status: criteria provided, single submitter. Criteria: Invitae Variant Classification Sherloc (09022015). Collection method: clinical testing. Allele origin: germline.
Comment: This sequence change replaces histidine, which is basic and polar, with tyrosine, which is neutral and polar, at codon 854 of the FBXO11 protein (p.His854Tyr). This variant is not present in population databases (gnomAD no frequency). This variant has not been reported in the literature in individuals affected with FBXO11-related conditions. An algorithm developed to predict the effect of missense changes on protein structure and function (PolyPhen-2) suggests that this variant is likely to be tolerated. In summary, the available evidence is currently insufficient to determine the role of this variant in disease. Therefore, it has been classified as a Variant of Uncertain Significance.

NM_001190274.2(FBXO11):c.2560C>T (p.His854Tyr)

Genes: FBXO11 (F-box protein 11; minus strand), MSH6 (mutS homolog 6; plus strand). Cytogenetic location: 2p16.3.
Variant type: single nucleotide variant.
Coding change: c.2560C>T on transcript NM_001190274.2 (MANE Select); coding-DNA position 2560, C replaced by T.
Protein change: p.His854Tyr; replaces histidine 854 with tyrosine.
Molecular consequence: missense variant. On other transcripts: intron variant (6).
Genome position (GRCh38, 1-based): chr2:47,808,423, G>A on the plus strand (C>T on the coding strand, the complement: FBXO11 is on the minus strand). VCF-style: chr2-47808423-G-A. GRCh37 (hg19) VCF-style: chr2-48035562-G-A.
Other names: c.2308C>T, p.His770Tyr (NM_001374325.1, NM_025133.4); c.*43+1520G>A (NM_001406809.1); c.*40+1523G>A (NM_001406796.1, NM_001406811.1, NM_001406805.1 and 2 more transcripts); short protein forms H854Y, H770Y.
Identifiers: ClinVar variation 3649550 (VCV003649550.2).